The following is an entry in ClinVar:

NM_033026.6(PCLO):c.2066C>T (p.Ala689Val)

Gene: PCLO (piccolo presynaptic cytomatrix protein; minus strand). Cytogenetic location: 7q21.11.
Variant type: single nucleotide variant.
Coding change: c.2066C>T on transcript NM_033026.6 (MANE Select); coding-DNA position 2066, C replaced by T.
Protein change: p.Ala689Val; replaces alanine 689 with valine.
Molecular consequence: missense variant.
Genome position (GRCh38, 1-based): chr7:83,135,484, G>A on the plus strand (C>T on the coding strand, the complement: PCLO is on the minus strand). VCF-style: chr7-83135484-G-A. GRCh37 (hg19) VCF-style: chr7-82764800-G-A.
Other names: c.2066C>T, p.Ala689Val (NM_014510.3); short protein forms A689V.
Identifiers: ClinVar variation 252760 (VCV000252760.36), dbSNP rs200359990, ClinGen allele CA4321322.

ClinVar aggregate classification (germline): Benign/Likely benign. Review status: criteria provided, multiple submitters, no conflicts (2 of 4 stars). 5 submissions from 5 submitters: Benign (1); Likely benign (4). Last evaluated 2026-07-01.

Conditions:
PCLO-related disorder. Also called: PCLO-related condition.

Allele frequency attached by ClinVar (database versions not stated): 1000 Genomes Project 30x 0.00047; TOPMed 0.00191; ExAC 0.00195; gnomAD exomes 0.00199 and 0.00325; ESP Exome Variant Server 0.00206; gnomAD 0.00207 and 0.00214.

Submissions (5):

CeGaT Center for Human Genetics Tuebingen
Classification: Likely benign. Last evaluated: 2026-07-01. Review status: criteria provided, single submitter. Criteria: CeGaT Center For Human Genetics Tuebingen Variant Classification Criteria Version 2. Collection method: clinical testing. Allele origin: germline. Affected: yes. Observed: 3 variant alleles.
Comment: PCLO: BP4

Labcorp Genetics (formerly Invitae), Labcorp
Classification: Likely benign. Last evaluated: 2026-01-26. Review status: criteria provided, single submitter. Criteria: Invitae Variant Classification Sherloc (09022015). Collection method: clinical testing. Allele origin: germline.

PreventionGenetics, part of Exact Sciences
Classification: Likely benign for PCLO-related condition. Last evaluated: 2022-11-17. Review status: criteria provided, single submitter. Criteria: ACMG Guidelines, 2015. Collection method: clinical testing. Allele origin: germline.
Comment: This variant is classified as likely benign based on ACMG/AMP sequence variant interpretation guidelines (Richards et al. 2015 PMID: 25741868, with internal and published modifications).

Genomic Diagnostic Laboratory, Division of Genomic Diagnostics, Children's Hospital of Philadelphia
Classification: Benign. Last evaluated: 2015-07-30. Review status: criteria provided, single submitter. Criteria: DGD Variant Analysis Guidelines. Collection method: clinical testing. Allele origin: unknown.

Breakthrough Genomics
Classification: Likely benign. Review status: criteria provided, single submitter. Criteria: ACMG Guidelines, 2015. Collection method: not provided. Allele origin: germline. Inheritance: Autosomal recessive inheritance. Affected: yes.